The following is an entry in ClinVar:

ClinVar aggregate classification (germline): Likely benign (1 of 4 stars; one submission).

Allele frequency attached by ClinVar (database versions not stated): TOPMed 0.00001; gnomAD exomes 0.00002; ExAC 0.00007.
gnomAD v4.1: 31 of 1,603,976 alleles (0.0019%); highest among the groups gnomAD compares: Middle Eastern, 0.31%; 1 homozygote.

Submission:

CeGaT Center for Human Genetics Tuebingen
Classification: Likely benign. Last evaluated: 2023-11-01. Review status: criteria provided, single submitter. Criteria: CeGaT Center For Human Genetics Tuebingen Variant Classification Criteria Version 2. Collection method: clinical testing. Allele origin: germline. Affected: yes. Observed: 1 variant allele.
Comment: CROCC: BS1

NM_014675.5(CROCC):c.1463C>T (p.Ser488Leu)

Gene: CROCC (ciliary rootlet coiled-coil, rootletin; plus strand). Cytogenetic location: 1p36.13.
Variant type: single nucleotide variant.
Coding change: c.1463C>T on transcript NM_014675.5 (MANE Select); coding-DNA position 1463, C replaced by T.
Protein change: p.Ser488Leu; replaces serine 488 with leucine.
Molecular consequence: missense variant.
Genome position (GRCh38, 1-based): chr1:16,938,997, C>T. VCF-style: chr1-16938997-C-T. GRCh37 (hg19) VCF-style: chr1-17265492-C-T.
Other names: short protein forms S488L.
Identifiers: ClinVar variation 2672325 (VCV002672325.23), dbSNP rs754059560, ClinGen allele CA634588.